The following is an entry in ClinVar:

NM_022489.4(INF2):c.750G>T (p.Glu250Asp)

Gene: INF2 (inverted formin 2; plus strand). Cytogenetic location: 14q32.33.
Variant type: single nucleotide variant.
Coding change: c.750G>T on transcript NM_022489.4 (MANE Select); coding-DNA position 750, G replaced by T.
Protein change: p.Glu250Asp; replaces glutamic acid 250 with aspartic acid.
Molecular consequence: missense variant. On other transcripts: non-coding transcript variant (1).
Genome position (GRCh38, 1-based): chr14:104,706,083, G>T. VCF-style: chr14-104706083-G-T. GRCh37 (hg19) VCF-style: chr14-105172420-G-T.
Other names: c.750G>T, p.Glu250Asp (NM_001031714.4, NM_001426862.1, NM_001426863.1 and 2 more transcripts); short protein forms E250D.
Identifiers: ClinVar variation 3763622 (VCV003763622.3).

ClinVar aggregate classification (germline): Conflicting classifications of pathogenicity. Review status: criteria provided, conflicting classifications (1 of 4 stars). 2 submissions from 2 submitters: Uncertain significance (1); Likely benign (1). Last evaluated 2025-07-31.

Conditions:
Focal segmental glomerulosclerosis 5 (FSGS5). Identifiers: Orphanet 656, MedGen C2750475, MONDO:0013191, OMIM 613237.
Charcot-Marie-Tooth disease dominant intermediate E. Also called: CHARCOT-MARIE-TOOTH NEUROPATHY WITH FOCAL SEGMENTAL GLOMERULONEPHRITIS. Identifiers: Orphanet 93114, MedGen C4302667, MONDO:0013758, OMIM 614455.

gnomAD v4.1: 1 of 1,612,540 alleles (0.000062%); highest among the groups gnomAD compares: African/African-American, 0.0013%; no homozygotes.

Submissions (2):

Labcorp Genetics (formerly Invitae), Labcorp
Classification: Likely benign for Charcot-Marie-Tooth disease dominant intermediate E; Focal segmental glomerulosclerosis 5. Last evaluated: 2025-07-31. Review status: criteria provided, single submitter. Criteria: Invitae Variant Classification Sherloc (09022015). Collection method: clinical testing. Allele origin: germline.

3billion
Classification: Uncertain significance for Focal segmental glomerulosclerosis 5. Last evaluated: 2024-06-22. Review status: criteria provided, single submitter. Criteria: ACMG Guidelines, 2015. Collection method: clinical testing. Allele origin: germline. Affected: yes.
Comment: The variant is observed at an extremely low frequency in the gnomAD v4.0.0 dataset (total allele frequency: <0.001%). Predicted Consequence/Location: Missense changes are a common disease-causing mechanism. Damaging effect on gene or gene product predicted by in silico programs is uncertain [REVEL: 0.43 (damaging >=0.6, benign <0.4), 3Cnet: 0.13 (damaging >=0.6, benign <0.15)]. Therefore, this variant is classified as VUS according to the recommendation of ACMG/AMP guideline.